The following is an entry in ClinVar:

ClinVar aggregate classification (germline): Uncertain significance (1 of 4 stars; one submission).

Allele frequency attached by ClinVar (database versions not stated): ExAC 0.00001; gnomAD exomes 0.00001; TOPMed 0.00001.
gnomAD v4.1: 5 of 1,613,976 alleles (0.00031%); highest among the groups gnomAD compares: Non-Finnish European, 0.00034%; no homozygotes.

Submission:

Labcorp Genetics (formerly Invitae), Labcorp
Classification: Uncertain significance. Last evaluated: 2023-08-30. Review status: criteria provided, single submitter. Criteria: Invitae Variant Classification Sherloc (09022015). Collection method: clinical testing. Allele origin: germline.
Comment: This variant has not been reported in the literature in individuals affected with ITPR1-related conditions. In summary, the available evidence is currently insufficient to determine the role of this variant in disease. Therefore, it has been classified as a Variant of Uncertain Significance. Advanced modeling of protein sequence and biophysical properties (such as structural, functional, and spatial information, amino acid conservation, physicochemical variation, residue mobility, and thermodynamic stability) performed at Invitae indicates that this missense variant is not expected to disrupt ITPR1 protein function. ClinVar contains an entry for this variant (Variation ID: 2104361). This variant is present in population databases (rs774903160, gnomAD 0.002%). This sequence change replaces alanine, which is neutral and non-polar, with threonine, which is neutral and polar, at codon 2280 of the ITPR1 protein (p.Ala2280Thr).

NM_001378452.1(ITPR1):c.7027G>A (p.Ala2343Thr)

Gene: ITPR1 (inositol 1,4,5-trisphosphate receptor type 1; plus strand). Cytogenetic location: 3p26.1.
Variant type: single nucleotide variant.
Coding change: c.7027G>A on transcript NM_001378452.1 (MANE Select); coding-DNA position 7027, G replaced by A.
Protein change: p.Ala2343Thr; replaces alanine 2343 with threonine.
Molecular consequence: missense variant.
Genome position (GRCh38, 1-based): chr3:4,800,520, G>A. VCF-style: chr3-4800520-G-A. GRCh37 (hg19) VCF-style: chr3-4842204-G-A.
Other names: c.6883G>A, p.Ala2295Thr (NM_001099952.4); c.6982G>A, p.Ala2328Thr (NM_001168272.2); c.6838G>A, p.Ala2280Thr (NM_002222.7); short protein forms A2280T, A2328T, A2295T, A2343T.
Identifiers: ClinVar variation 2104361 (VCV002104361.4), dbSNP rs774903160, ClinGen allele CA2232760.